The following continues an entry in ClinVar:

NM_000277.3(PAH):c.1222C>T (p.Arg408Trp)

Gene: PAH. ClinVar aggregate classification (germline): Pathogenic. Pathogenic (1).

Submissions 10 to 28 of 44:

Ambry Genetics
Classification: Pathogenic for Inborn genetic diseases. Last evaluated: 2025-09-24. Review status: criteria provided, single submitter. Criteria: Ambry Variant Classification Scheme 2023. Collection method: clinical testing. Allele origin: germline. Not counted in ClinVar's aggregate classification.
Comment: The c.1222C>T (p.R408W) alteration is located in exon 12 (coding exon 12) of the PAH gene. This alteration results from a C to T substitution at nucleotide position 1222, causing the arginine (R) at amino acid position 408 to be replaced by a tryptophan (W). Based on data from gnomAD, the T allele has an overall frequency of 0.089% (252/282832) total alleles studied. The highest observed frequency was 0.172% (222/129172) of European (non-Finnish) alleles. This common mutation has been reported in multiple homozygous and compound heterozygous individuals with phenylalanine hydroxylase (PAH) deficiency (DiLella, 1987; Guldberg, 1995; Guldberg, 1998; Bayat, 2016; Gundorova, 2019; Lillev&auml;li, 2019; Su, 2019; Tresbach, 2020). This amino acid position is well conserved in available vertebrate species. This alteration is located in the catalytic domain at the center of the protein structure and leads to severe aggregation with complete disruption of structural integrity and loss of enzyme function (Dobrowolski, 2009; Gersting, 2008). This alteration is predicted to be deleterious by in silico analysis. Based on the available evidence, this alteration is classified as pathogenic.

Mayo Clinic Laboratories, Mayo Clinic
Classification: Pathogenic. Last evaluated: 2025-09-03. Review status: criteria provided, single submitter. Criteria: ACMG Guidelines, 2015. Collection method: clinical testing. Allele origin: germline. Observed: 27 variant alleles. Not counted in ClinVar's aggregate classification.
Comment: PP3, PP4_moderate, PM3_strong, PS3

Victorian Clinical Genetics Services, Murdoch Childrens Research Institute
Classification: Pathogenic for Phenylketonuria. Last evaluated: 2025-08-22. Review status: criteria provided, single submitter. Criteria: ACMG Guidelines, 2015. Collection method: clinical testing. Allele origin: germline. Affected: no. Not counted in ClinVar's aggregate classification.
Comment: This variant is classified as Pathogenic. Evidence in support of pathogenic classification: Variant is present in gnomAD <0.01 for a recessive condition (v4: 2136 heterozygote(s), 0 homozygote(s)); This variant has strong previous evidence of pathogenicity in unrelated individuals. This variant has been classified as pathogenic by the ClinGen PAH Variant Curation Expert Panel (ClinVar). It is one of the most common variants reported in individuals with classic PKU (PMID: 26481238, 25596310, 30037505, 30668579); This variant has moderate functional evidence supporting abnormal protein function. Site-directed mutagenesis studies have shown a reduction to 2% in PAH activity compared to wild-type (PMID: 30037505). Additional information: Variant is predicted to result in a missense amino acid change from Arg to Trp; This variant is heterozygous; This gene is associated with autosomal recessive disease; Loss of function is a known mechanism of disease in this gene and is associated with phenylketonuria (MIM#261600).

Revvity Omics, Revvity
Classification: Pathogenic for Phenylketonuria. Last evaluated: 2025-04-18. Review status: criteria provided, single submitter. Criteria: ACMG Guidelines, 2015. Collection method: clinical testing. Allele origin: germline. Not counted in ClinVar's aggregate classification.

Quest Diagnostics Nichols Institute San Juan Capistrano
Classification: Pathogenic. Last evaluated: 2025-03-28. Review status: criteria provided, single submitter. Criteria: Quest Diagnostics criteria. Collection method: clinical testing. Allele origin: unknown. Not counted in ClinVar's aggregate classification.
Comment: The PAH c.1222C>T (p.Arg408Trp) variant has been reported in the published literature in as homozygous or compound heterozygous in individuals with classic phenylketonuria (cPKU) or mild phenylketonuria (mPKU) (PMID: 38731816 (2024), 37189584 (2023), 37421234 (2023), 36246604 (2022), 31355225 (2019), 30747360 (2019), 23500595 (2013)). Additionally, this variant has been shown to have to very low PAH activity (PMID: 23500595 (2013), 37421234 (2023)) and is unresponsive to BH4 (PMIDs: 23500595 (2013), 17935162 (2008)). The frequency of this variant in the general population (Genome Aggregation Database) is uninformative in the assessment of its pathogenicity. Analysis of this variant using bioinformatics tools for the prediction of the effect of amino acid changes on protein structure and function yielded predictions that this variant is damaging. Based on the available information, this variant is classified as pathogenic.

Laboratory of Genetics, Children's Clinical University Hospital Latvia
Classification: Pathogenic. Last evaluated: 2025-02-16. Review status: criteria provided, single submitter. Criteria: ACMG Guidelines, 2015. Collection method: clinical testing. Allele origin: germline. Affected: yes. Not counted in ClinVar's aggregate classification.

Blueprint Genetics
Classification: Pathogenic for PAH-related disorders. Last evaluated: 2024-11-19. Review status: criteria provided, single submitter. Criteria: ACMG Guidelines, 2015. Collection method: clinical testing. Allele origin: germline. Affected: yes. Observed: 5 variant alleles. Not counted in ClinVar's aggregate classification.

Laboratory of Medical Genetics, National & Kapodistrian University of Athens
Classification: Pathogenic for Phenylketonuria. Last evaluated: 2024-02-01. Review status: criteria provided, single submitter. Criteria: ACMG Guidelines, 2015. Collection method: curation. Allele origin: germline. Affected: no. Not counted in ClinVar's aggregate classification.

Greenwood Genetic Center Diagnostic Laboratories, Greenwood Genetic Center
Classification: Pathogenic for Phenylketonuria. Last evaluated: 2023-10-30. Review status: criteria provided, single submitter. Criteria: ACMG Guidelines, 2015. Collection method: clinical testing. Allele origin: germline. Affected: yes. Not counted in ClinVar's aggregate classification.
Comment: PS3, PM3_Strong, PM5, PP3

MGZ Medical Genetics Center
Classification: Pathogenic for Phenylketonuria. Last evaluated: 2022-07-19. Review status: criteria provided, single submitter. Criteria: ACMG Guidelines, 2015. Collection method: clinical testing. Allele origin: germline. Affected: yes. Observed: 1 variant allele. Not counted in ClinVar's aggregate classification.
Comment: ACMG criteria applied: PS3, PM3_STR, PP4_MOD, PP3

Department of Pathology and Laboratory Medicine, Sinai Health System
Classification: Pathogenic for Phenylketonuria. Last evaluated: 2022-06-10. Review status: criteria provided, single submitter. Criteria: ACMG Guidelines, 2015. Collection method: research. Allele origin: germline. Not counted in ClinVar's aggregate classification.

Fulgent Genetics
Classification: Pathogenic for Phenylketonuria. Last evaluated: 2022-05-11. Review status: criteria provided, single submitter. Criteria: ACMG Guidelines, 2015. Collection method: clinical testing. Allele origin: unknown. Not counted in ClinVar's aggregate classification.

Genetics and Molecular Pathology, SA Pathology
Classification: Pathogenic for Phenylketonuria. Last evaluated: 2022-01-13. Review status: criteria provided, single submitter. Criteria: ACMG Guidelines, 2015. Collection method: clinical testing. Allele origin: germline. Inheritance: Autosomal recessive inheritance. Affected: yes. Not counted in ClinVar's aggregate classification.

Centre of Medical Genetics, University Hospital Muenster
Classification: Pathogenic. Last evaluated: 2021-12-20. Review status: criteria provided, single submitter. Criteria: ACMG Guidelines, 2015. Collection method: clinical testing. Allele origin: unknown. Affected: yes. Observed: 1 variant allele, 1 homozygote. Not counted in ClinVar's aggregate classification.
Comment: ACMG categories: PS1,PM2,PM7,PP3,PP4,PP5,BP1

Department of Human Genetics, Hannover Medical School
Classification: Pathogenic for Phenylketonuria. Last evaluated: 2021-12-14. Review status: criteria provided, single submitter. Criteria: ACMG Guidelines, 2015. Collection method: clinical testing. Allele origin: germline. Inheritance: Autosomal recessive inheritance. Affected: yes. Not counted in ClinVar's aggregate classification.

Myriad Genetics, Inc.
Classification: Pathogenic for Phenylketonuria. Last evaluated: 2019-10-18. Review status: criteria provided, single submitter. Criteria: Myriad Women's Health Autosomal Recessive and X-Linked Classification Criteria (2019). Collection method: clinical testing. Allele origin: unknown. Not counted in ClinVar's aggregate classification.
Comment: NM_000277.1(PAH):c.1222C>T(R408W) is classified as pathogenic in the context of phenylalanine hydroxylase deficiency and is associated with classic PKU. Sources cited for classification include the following: PMIDs: 17935162, 16879198, 22513348, 18538294, 1671768, 2884570, 8889590. Classification of NM_000277.1(PAH):c.1222C>T(R408W) is based on the following criteria: This is a well-established pathogenic variant in the literature that has been observed more frequently in patients with clinical diagnoses than in healthy populations. Please note: this variant was assessed in the context of healthy population screening.

CENTOGENE GmbH and LLC - Guiding Precision Medicine
Classification: Pathogenic for Phenylketonuria. Last evaluated: 2019-09-06. Review status: criteria provided, single submitter. Criteria: ACMG Guidelines, 2015. Collection method: clinical testing. Allele origin: biparental. Affected: yes. Not counted in ClinVar's aggregate classification.

Equipe Genetique des Anomalies du Developpement, Université de Bourgogne
Classification: Pathogenic for Phenylketonuria. Last evaluated: 2017-08-16. Review status: criteria provided, single submitter. Criteria: ACMG Guidelines, 2015. Collection method: clinical testing. Allele origin: unknown. Affected: yes. Study: Clinvar_gadteam_Clinical_exome_analysis_3. Not counted in ClinVar's aggregate classification.

Eurofins Ntd Llc (ga)
Classification: Pathogenic. Last evaluated: 2017-05-03. Review status: criteria provided, single submitter. Criteria: EGL Classification Definitions 2015. Collection method: clinical testing. Allele origin: germline. Observed: 104 variant alleles, 93 heterozygotes, 11 homozygotes. Not counted in ClinVar's aggregate classification.